The following is an entry in ClinVar:

NM_003072.5(SMARCA4):c.4271C>T (p.Pro1424Leu)

Gene: SMARCA4 (SWI/SNF related BAF chromatin remodeling complex subunit ATPase 4; plus strand). Cytogenetic location: 19p13.2.
Variant type: single nucleotide variant.
Coding change: c.4271C>T on transcript NM_003072.5 (MANE Select); coding-DNA position 4271, C replaced by T.
Protein change: p.Pro1424Leu; replaces proline 1424 with leucine.
Molecular consequence: missense variant. On other transcripts: non-coding transcript variant (1).
Genome position (GRCh38, 1-based): chr19:11,041,407, C>T. VCF-style: chr19-11041407-C-T. GRCh37 (hg19) VCF-style: chr19-11152083-C-T.
Other names: c.4271C>T, p.Pro1424Leu (NM_001128844.3); c.4181C>T, p.Pro1394Leu (NM_001128845.2, NM_001128846.2); c.4172C>T, p.Pro1391Leu (NM_001128847.4, NM_001128848.2, NM_001374457.1); c.4367C>T, p.Pro1456Leu (NM_001128849.3, NM_001387283.1); c.4367C>T (NM_001128849.2); short protein forms P1456L, P1394L, P1424L, P1391L.
Identifiers: ClinVar variation 408694 (VCV000408694.23), dbSNP rs760654888, ClinGen allele CA9204690.
Genomic context (GRCh38, chr19:11,041,407, plus strand): 5'-TCCGGCAGAAGAAATCATCACGGAAGCGCAAGCGAGACAGCGACGCCGGCTCCTCCACCC[C>T]GACCACCAGCACCCGCAGCCGCGACAAGGACGACGAGAGCAAGAAGCAGAAGAAGCGCGG-3'
Protein context (NP_003063.2, residues 1414-1434): KRDSDAGSST[Pro1424Leu]TTSTRSRDKD

ClinVar aggregate classification (germline): Conflicting classifications of pathogenicity. Review status: criteria provided, conflicting classifications (1 of 4 stars). 9 submissions from 9 submitters: Uncertain significance (7); Likely benign (2). Last evaluated 2026-09-18.

Conditions:
SMARCA4-related disorder. Also called: SMARCA4-related condition.
Hereditary cancer-predisposing syndrome. Also called: Hereditary Cancer Syndrome; Hereditary neoplastic syndrome; Neoplastic Syndromes, Hereditary; Tumor predisposition. Identifiers: Orphanet 140162, MedGen C0027672, MeSH D009386, MONDO:0015356.
Intellectual disability, autosomal dominant 16 (CSS4). Also called: COFFIN-SIRIS SYNDROME 4. Identifiers: Orphanet 1465, MedGen C3553249, MONDO:0013821, OMIM 614609.
Rhabdoid tumor predisposition syndrome 2 (RTPS2). Identifiers: Orphanet 231108, Orphanet 69077, MedGen C2750074, MONDO:0013224, OMIM 613325.

Allele frequency attached by ClinVar (database versions not stated): TOPMed 0.00002; gnomAD 0.00003.
gnomAD v4.1: 40 of 1,612,170 alleles (0.0025%); highest among the groups gnomAD compares: Non-Finnish European, 0.003%; no homozygotes.

Submissions (9):

Myriad Genetics, Inc.
Classification: Likely benign for Rhabdoid tumor predisposition syndrome 2. Last evaluated: 2026-09-18. Review status: criteria provided, single submitter. Criteria: Myriad Autosomal Dominant, Autosomal Recessive and X-Linked Classification Criteria (2023). Collection method: clinical testing. Allele origin: unknown.
Comment: This variant is considered likely benign. Homozygosity has been confirmed in one or more individuals. As homozygosity for pathogenic variants in this gene is generally assumed to result in embryonic lethality, this variant is unlikely to be pathogenic.

PreventionGenetics, part of Exact Sciences
Classification: Uncertain significance for SMARCA4-related condition. Last evaluated: 2026-05-27. Review status: criteria provided, single submitter. Criteria: ACMG Guidelines, 2015. Collection method: clinical testing. Allele origin: germline.
Comment: The SMARCA4 c.4367C>T variant is predicted to result in the amino acid substitution p.Pro1456Leu. To our knowledge, this variant has not been reported in the literature in individuals with SMARCA4-related conditions. This variant is reported in 0.0033% of alleles in individuals of South Asian descent in gnomAD. This variant has conflicting interpretations in ClinVar ranging from uncertain to likely benign (Variation ID: 408694). At this time, the clinical significance of this variant is uncertain due to the absence of conclusive functional and genetic evidence.

St. Jude Molecular Pathology, St. Jude Children's Research Hospital
Classification: Uncertain significance for Rhabdoid tumor predisposition syndrome 2. Last evaluated: 2026-02-20. Review status: criteria provided, single submitter. Criteria: St. Jude Assertion Criteria 2020. Collection method: clinical testing. Allele origin: germline.
Comment: The SMARCA4 c.4367C>T p.(Pro1456Leu) missense change has a maximum subpopulation frequency of 0.0032% in gnomAD v2.1.1. The in silico tool REVEL is inconclusive about a pathogenic or benign effect of this variant on protein function, and functional studies have not been performed. This variant has not been reported in individuals with rhabdoid tumor predisposition syndrome. In summary, the evidence currently available is insuffici ent to determine the clinical significance of this variant. It has therefore been classified as of uncertain significance.

Dasa
Classification: Uncertain significance for Intellectual disability, autosomal dominant 16. Last evaluated: 2026-01-02. Review status: criteria provided, single submitter. Criteria: DASA Assertion Criteria. Collection method: clinical testing. Allele origin: germline.
Comment: NM_003072.5(SMARCA4):c.4271C>T (p.Pro1424Leu) is a missense variant that results in the substitution of proline with leucine. This variant is rare in population databases. The currently available literature and clinical evidence are not sufficient to establish a definitive association between this variant and the reported condition. Therefore, this variant is classified as a variant of uncertain significance.

Labcorp Genetics (formerly Invitae), Labcorp
Classification: Uncertain significance for Rhabdoid tumor predisposition syndrome 2. Last evaluated: 2025-12-20. Review status: criteria provided, single submitter. Criteria: Invitae Variant Classification Sherloc (09022015). Collection method: clinical testing. Allele origin: germline.
Comment: This sequence change replaces proline, which is neutral and non-polar, with leucine, which is neutral and non-polar, at codon 1456 of the SMARCA4 protein (p.Pro1456Leu). This variant is present in population databases (rs760654888, gnomAD 0.003%). This missense change has been observed in individual(s) with neurodevelopmental disorder (PMID: 37500730). ClinVar contains an entry for this variant (Variation ID: 408694). An algorithm developed to predict the effect of missense changes on protein structure and function (PolyPhen-2) suggests that this variant is likely to be tolerated. In summary, the available evidence is currently insufficient to determine the role of this variant in disease. Therefore, it has been classified as a Variant of Uncertain Significance.

Quest Diagnostics Nichols Institute San Juan Capistrano
Classification: Uncertain significance. Last evaluated: 2025-03-30. Review status: criteria provided, single submitter. Criteria: Quest Diagnostics criteria. Collection method: clinical testing. Allele origin: unknown.
Comment: The SMARCA4 c.4367C>T (p.Pro1456Leu) variant has not been reported in individuals with SMARCA4-related conditions in the published literature. The frequency of this variant in the general population (Genome Aggregation Database) is uninformative in the assessment of its pathogenicity. Analysis of this variant using bioinformatics tools for the prediction of the effect of amino acid changes on protein structure and function yielded predictions that this variant is damaging. Based on the available information, we are unable to determine the clinical significance of this variant.

Sema4
Classification: Uncertain significance for Hereditary cancer-predisposing syndrome. Last evaluated: 2021-12-14. Review status: criteria provided, single submitter. Criteria: Sema4 Curation Guidelines. Collection method: curation. Allele origin: germline.
Comment: The SMARCA4 c.4367C>T (p.P1456L) variant has not been reported in the literature to our knowledge. It was observed in 4/277890 chromosomes across all populations, with no homozygotes, in the large and broad cohorts of the Genome Aggregation Database (PMID: 32461654). The variant has been reported in ClinVar (Variation ID: 408694). Functional studies have not been performed, and in silico predictions of the variant's effect on protein function are inconclusive. The evidence is insufficient to meet ACMG/AMP criteria for classifying the variant as benign or pathogenic. Thus, the clinical significance of this variant is currently uncertain.

Genome-Nilou Lab
Classification: Uncertain significance for Intellectual disability, autosomal dominant 16. Last evaluated: 2021-07-15. Review status: criteria provided, single submitter. Criteria: ACMG Guidelines, 2015. Collection method: clinical testing. Allele origin: germline. Affected: no.

Ambry Genetics
Classification: Likely benign for Hereditary cancer-predisposing syndrome. Last evaluated: 2021-05-19. Review status: criteria provided, single submitter. Criteria: Ambry Variant Classification Scheme 2023. Collection method: clinical testing. Allele origin: germline.

Literature cited by the submitters: PubMed 37500730 (cited by Labcorp Genetics (formerly Invitae), Labcorp); PubMed 32376391 (cited by Ambry Genetics).